The following is an entry in ClinVar:

ClinVar aggregate classification (germline): Uncertain significance (1 of 4 stars; one submission).

Submission:

Labcorp Genetics (formerly Invitae), Labcorp
Classification: Uncertain significance. Last evaluated: 2021-11-26. Review status: criteria provided, single submitter. Criteria: Invitae Variant Classification Sherloc (09022015). Collection method: clinical testing. Allele origin: germline.
Comment: This sequence change replaces tyrosine, which is neutral and polar, with aspartic acid, which is acidic and polar, at codon 1886 of the LAMA1 protein (p.Tyr1886Asp). This variant is not present in population databases (gnomAD no frequency). This variant has not been reported in the literature in individuals affected with LAMA1-related conditions. Algorithms developed to predict the effect of missense changes on protein structure and function output the following: SIFT: "Tolerated"; PolyPhen-2: "Benign"; Align-GVGD: "Class C0". The aspartic acid amino acid residue is found in multiple mammalian species, which suggests that this missense change does not adversely affect protein function. In summary, the available evidence is currently insufficient to determine the role of this variant in disease. Therefore, it has been classified as a Variant of Uncertain Significance.

NM_005559.4(LAMA1):c.5656T>G (p.Tyr1886Asp)

Gene: LAMA1 (laminin subunit alpha 1; minus strand). Cytogenetic location: 18p11.31.
Variant type: single nucleotide variant.
Coding change: c.5656T>G on transcript NM_005559.4 (MANE Select); coding-DNA position 5656, T replaced by G.
Protein change: p.Tyr1886Asp; replaces tyrosine 1886 with aspartic acid.
Molecular consequence: missense variant.
Genome position (GRCh38, 1-based): chr18:6,985,241, A>C on the plus strand (T>G on the coding strand, the complement: LAMA1 is on the minus strand). VCF-style: chr18-6985241-A-C. GRCh37 (hg19) VCF-style: chr18-6985240-A-C.
Other names: short protein forms Y1886D.
Identifiers: ClinVar variation 1499565 (VCV001499565.3), dbSNP rs2144057351, ClinGen allele CA401837102.